The following is an entry in ClinVar:

ClinVar aggregate classification (germline): Uncertain significance. Review status: criteria provided, multiple submitters, no conflicts (2 of 4 stars). 3 submissions from 3 submitters: Uncertain significance (3). Last evaluated 2025-09-04.

Conditions:
TJP2-related disorder. Also called: TJP2-related condition.

Allele frequency attached by ClinVar (database versions not stated): ExAC 0.00001; gnomAD 0.00001 and 0.00002; gnomAD exomes 0.00001 and 0.00002; TOPMed 0.00003; 1000 Genomes Project 30x 0.00016; 1000 Genomes Project 0.00020.
gnomAD v4.1: 25 of 1,613,888 alleles (0.0015%); highest among the groups gnomAD compares: African/African-American, 0.008%; no homozygotes.

Submissions (3):

PreventionGenetics, part of Exact Sciences
Classification: Uncertain significance for TJP2-related condition. Last evaluated: 2025-09-04. Review status: criteria provided, single submitter. Criteria: ACMG Guidelines, 2015. Collection method: clinical testing. Allele origin: germline.
Comment: The TJP2 c.1004C>T variant is predicted to result in the amino acid substitution p.Thr335Met. To our knowledge, this variant has not been reported in the literature. This variant is reported in 0.016% of alleles in individuals of African descent in gnomAD. At this time, the clinical significance of this variant is uncertain due to the absence of conclusive functional and genetic evidence.

Labcorp Genetics (formerly Invitae), Labcorp
Classification: Uncertain significance. Last evaluated: 2025-06-12. Review status: criteria provided, single submitter. Criteria: Invitae Variant Classification Sherloc (09022015). Collection method: clinical testing. Allele origin: germline.
Comment: This sequence change replaces threonine, which is neutral and polar, with methionine, which is neutral and non-polar, at codon 335 of the TJP2 protein (p.Thr335Met). This variant is present in population databases (rs548602675, gnomAD 0.02%). This variant has not been reported in the literature in individuals affected with TJP2-related conditions. ClinVar contains an entry for this variant (Variation ID: 1683928). Invitae Evidence Modeling of protein sequence and biophysical properties (such as structural, functional, and spatial information, amino acid conservation, physicochemical variation, residue mobility, and thermodynamic stability) indicates that this missense variant is not expected to disrupt TJP2 protein function with a negative predictive value of 80%. In summary, the available evidence is currently insufficient to determine the role of this variant in disease. Therefore, it has been classified as a Variant of Uncertain Significance.

GeneDx
Classification: Uncertain significance. Last evaluated: 2022-04-26. Review status: criteria provided, single submitter. Criteria: GeneDx Variant Classification Process June 2021. Collection method: clinical testing. Allele origin: germline. Affected: yes.
Comment: In silico analysis supports that this missense variant has a deleterious effect on protein structure/function; Has not been previously published as pathogenic or benign to our knowledge

NM_004817.4(TJP2):c.1004C>T (p.Thr335Met)

Gene: TJP2 (tight junction protein 2; plus strand). Cytogenetic location: 9q21.11.
Variant type: single nucleotide variant.
Coding change: c.1004C>T on transcript NM_004817.4 (MANE Select); coding-DNA position 1004, C replaced by T.
Protein change: p.Thr335Met; replaces threonine 335 with methionine.
Molecular consequence: missense variant.
Genome position (GRCh38, 1-based): chr9:69,225,355, C>T. VCF-style: chr9-69225355-C-T. GRCh37 (hg19) VCF-style: chr9-71840271-C-T.
Other names: c.935C>T, p.Thr312Met (NM_001170414.2, NM_001369870.1, NM_001369871.1); c.1016C>T, p.Thr339Met (NM_001170415.1, NM_001369874.1, NM_001369875.1); c.1097C>T, p.Thr366Met (NM_001170416.2); c.1004C>T, p.Thr335Met (NM_001369872.1, NM_001369873.1, NM_201629.3); short protein forms T312M, T335M, T339M, T366M.
Identifiers: ClinVar variation 1683928 (VCV001683928.4), dbSNP rs548602675, ClinGen allele CA5073164.